The following is an entry in ClinVar:

NM_000038.6(APC):c.5441A>C (p.Gln1814Pro)

Gene: APC (APC regulator of Wnt signaling pathway; plus strand). Cytogenetic location: 5q22.2.
Variant type: single nucleotide variant.
Coding change: c.5441A>C on transcript NM_000038.6 (MANE Select); coding-DNA position 5441, A replaced by C.
Protein change: p.Gln1814Pro; replaces glutamine 1814 with proline.
Molecular consequence: missense variant.
Genome position (GRCh38, 1-based): chr5:112,841,035, A>C. VCF-style: chr5-112841035-A-C. GRCh37 (hg19) VCF-style: chr5-112176732-A-C.
Other names: c.5441A>C, p.Gln1814Pro (NM_001127510.3, NM_001354895.2); c.5387A>C, p.Gln1796Pro (NM_001127511.3); c.5495A>C, p.Gln1832Pro (NM_001354896.2); c.5471A>C, p.Gln1824Pro (NM_001354897.2); c.5366A>C, p.Gln1789Pro (NM_001354898.2); c.5357A>C, p.Gln1786Pro (NM_001354899.2); c.5318A>C, p.Gln1773Pro (NM_001354900.2); c.5264A>C, p.Gln1755Pro (NM_001354901.2); and 5 more; short protein forms Q1688P, Q1713P, Q1789P, Q1824P, Q1832P, Q1531P, Q1654P, Q1723P.
Identifiers: ClinVar variation 955983 (VCV000955983.12), dbSNP rs786202960, ClinGen allele CA16033228.
Genomic context (GRCh38, chr5:112,841,035, plus strand): 5'-ACTCAAAAAATAATTTAAATGCTGAGAGAGTTTTCTCAGACAACAAAGATTCAAAGAAAC[A>C]GAATTTGAAAAATAATTCCAAGGTCTTCAATGATAAGCTCCCAAATAATGAAGATAGAGT-3'
Protein context (NP_000029.2, residues 1804-1824): VFSDNKDSKK[Gln1814Pro]NLKNNSKVFN

ClinVar aggregate classification (germline): Uncertain significance. Review status: criteria provided, multiple submitters, no conflicts (2 of 4 stars). 2 submissions from 2 submitters: Uncertain significance (2). Last evaluated 2025-12-30.

Conditions:
Hereditary cancer-predisposing syndrome. Also called: Tumor predisposition; Hereditary neoplastic syndrome; Hereditary Cancer Syndrome; Neoplastic Syndromes, Hereditary. Identifiers: Orphanet 140162, MedGen C0027672, MeSH D009386, MONDO:0015356.
Familial adenomatous polyposis 1 (FAP1). Also called: FAMILIAL ADENOMATOUS POLYPOSIS 1, ATTENUATED; POLYPOSIS, ADENOMATOUS INTESTINAL. Identifiers: MedGen C2713442, MONDO:0021056, OMIM 175100. Disease mechanism: loss of function.

Allele frequency attached by ClinVar (database versions not stated): gnomAD 0.00001; TOPMed 0.00001.
gnomAD v4.1: 1 of 1,610,864 alleles (0.000062%); highest among the groups gnomAD compares: Non-Finnish European, 0.000085%; no homozygotes.

Submissions (2):

Ambry Genetics
Classification: Uncertain significance for Hereditary cancer-predisposing syndrome. Last evaluated: 2025-12-30. Review status: criteria provided, single submitter. Criteria: Ambry Variant Classification Scheme 2023. Collection method: clinical testing. Allele origin: germline.
Comment: The p.Q1814P variant (also known as c.5441A>C), located in coding exon 15 of the APC gene, results from an A to C substitution at nucleotide position 5441. The glutamine at codon 1814 is replaced by proline, an amino acid with similar properties. This amino acid position is well conserved in available vertebrate species. In addition, in silico predictors for this gene do not accurately predict pathogenicity. Missense variants in APC are not a common cause of disease (Spier I et al. Genet Med. 2024 Feb;26(2):100992). Based on the available evidence, the clinical significance of this variant remains unclear.

Labcorp Genetics (formerly Invitae), Labcorp
Classification: Uncertain significance for Familial adenomatous polyposis 1. Last evaluated: 2025-07-24. Review status: criteria provided, single submitter. Criteria: Invitae Variant Classification Sherloc (09022015). Collection method: clinical testing. Allele origin: germline.
Comment: This sequence change replaces glutamine, which is neutral and polar, with proline, which is neutral and non-polar, at codon 1814 of the APC protein (p.Gln1814Pro). This variant is not present in population databases (gnomAD no frequency). This variant has not been reported in the literature in individuals affected with APC-related conditions. ClinVar contains an entry for this variant (Variation ID: 955983). Invitae Evidence Modeling of protein sequence and biophysical properties (such as structural, functional, and spatial information, amino acid conservation, physicochemical variation, residue mobility, and thermodynamic stability) indicates that this missense variant is not expected to disrupt APC protein function with a negative predictive value of 95%. In summary, the available evidence is currently insufficient to determine the role of this variant in disease. Therefore, it has been classified as a Variant of Uncertain Significance.